The following is an entry in ClinVar:

NM_000944.5(PPP3CA):c.1411G>A (p.Glu471Lys)

Gene: PPP3CA (protein phosphatase 3 catalytic subunit alpha; minus strand). Cytogenetic location: 4q24.
Variant type: single nucleotide variant.
Coding change: c.1411G>A on transcript NM_000944.5 (MANE Select); coding-DNA position 1411, G replaced by A.
Protein change: p.Glu471Lys; replaces glutamic acid 471 with lysine.
Molecular consequence: missense variant.
Genome position (GRCh38, 1-based): chr4:101,026,020, C>T on the plus strand (G>A on the coding strand, the complement: PPP3CA is on the minus strand). VCF-style: chr4-101026020-C-T. GRCh37 (hg19) VCF-style: chr4-101947177-C-T.
Other names: c.1381G>A, p.Glu461Lys (NM_001130691.2); c.1255G>A, p.Glu419Lys (NM_001130692.2); short protein forms E419K, E461K, E471K.
Identifiers: ClinVar variation 2504468 (VCV002504468.4), dbSNP rs2476197492, ClinGen allele CA357947758.

ClinVar aggregate classification (germline): Uncertain significance. Review status: criteria provided, multiple submitters, no conflicts (2 of 4 stars). 2 submissions from 2 submitters: Uncertain significance (2). Last evaluated 2023-04-22.

gnomAD v4.1: 3 of 1,610,524 alleles (0.00019%); highest among the groups gnomAD compares: Non-Finnish European, 0.00025%; no homozygotes.

Submissions (2):

Labcorp Genetics (formerly Invitae), Labcorp
Classification: Uncertain significance. Last evaluated: 2023-04-22. Review status: criteria provided, single submitter. Criteria: Invitae Variant Classification Sherloc (09022015). Collection method: clinical testing. Allele origin: germline.
Comment: This variant is not present in population databases (gnomAD no frequency). This variant has not been reported in the literature in individuals affected with PPP3CA-related conditions. Advanced modeling of protein sequence and biophysical properties (such as structural, functional, and spatial information, amino acid conservation, physicochemical variation, residue mobility, and thermodynamic stability) performed at Invitae indicates that this missense variant is not expected to disrupt PPP3CA protein function. In summary, the available evidence is currently insufficient to determine the role of this variant in disease. Therefore, it has been classified as a Variant of Uncertain Significance. This sequence change replaces glutamic acid, which is acidic and polar, with lysine, which is basic and polar, at codon 471 of the PPP3CA protein (p.Glu471Lys).

GeneDx
Classification: Uncertain significance. Last evaluated: 2022-11-25. Review status: criteria provided, single submitter. Criteria: GeneDx Variant Classification Process June 2021. Collection method: clinical testing. Allele origin: germline. Affected: yes.
Comment: Not observed at significant frequency in large population cohorts (gnomAD); In silico analysis supports that this missense variant does not alter protein structure/function; Has not been previously published as pathogenic or benign to our knowledge